The following is an entry in ClinVar:

ClinVar aggregate classification (germline): Conflicting classifications of pathogenicity. Review status: criteria provided, conflicting classifications (1 of 4 stars). 3 submissions from 3 submitters: Uncertain significance (1); Likely benign (1). 1 of the submissions does not count toward it. Last evaluated 2025-05-09.

Conditions:
Mucopolysaccharidosis, MPS-III-C (MPS3C). Also called: mucopolysaccharidosis type 3C; MUCOPOLYSACCHARIDOSIS, TYPE IIIC; SANFILIPPO SYNDROME C; MPS III C; Mucopolysaccharidosis type IIIC (Sanfilippo C); MPS IIIC (Sanfilippo Syndrome Type C). Identifiers: Orphanet 581, Orphanet 79271, MedGen C0086649, MONDO:0009657, OMIM 252930.
HGSNAT-related disorder. Also called: HGSNAT-related condition.
Retinitis pigmentosa 73 (RP73). Identifiers: Orphanet 791, MedGen C4225287, MONDO:0014687, OMIM 616544.

Allele frequency attached by ClinVar (database versions not stated): gnomAD exomes below 0.00001.
gnomAD v4.1: 2 of 1,563,032 alleles (0.00013%); highest among the groups gnomAD compares: Non-Finnish European, 0.00018%; no homozygotes.

Submissions (3):

PreventionGenetics, part of Exact Sciences
Classification: Likely benign for HGSNAT-related condition. Last evaluated: 2025-05-09. Review status: criteria provided, single submitter. Criteria: ACMG Guidelines, 2015. Collection method: clinical testing. Allele origin: germline.
Comment: This variant is classified as likely benign based on ACMG/AMP sequence variant interpretation guidelines (Richards et al. 2015 PMID: 25741868, with internal and published modifications).

Labcorp Genetics (formerly Invitae), Labcorp
Classification: Uncertain significance for Retinitis pigmentosa 73; Mucopolysaccharidosis, MPS-III-C. Last evaluated: 2022-04-26. Review status: criteria provided, single submitter. Criteria: Invitae Variant Classification Sherloc (09022015). Collection method: clinical testing. Allele origin: germline.
Comment: This sequence change falls in intron 14 of the HGSNAT gene. It does not directly change the encoded amino acid sequence of the HGSNAT protein. This variant is not present in population databases (gnomAD no frequency). This variant has not been reported in the literature in individuals affected with HGSNAT-related conditions. ClinVar contains an entry for this variant (Variation ID: 936206). Algorithms developed to predict the effect of sequence changes on RNA splicing suggest that this variant may disrupt the consensus splice site. In summary, the available evidence is currently insufficient to determine the role of this variant in disease. Therefore, it has been classified as a Variant of Uncertain Significance.

Natera, Inc.
Classification: Uncertain significance for Mucopolysaccharidosis type IIIC. Last evaluated: 2020-04-27. Review status: no assertion criteria provided. Collection method: clinical testing. Allele origin: germline. Not counted in ClinVar's aggregate classification.

NM_152419.3(HGSNAT):c.1465-10T>C

Gene: HGSNAT (heparan-alpha-glucosaminide N-acetyltransferase; plus strand). Cytogenetic location: 8p11.21.
Variant type: single nucleotide variant.
Coding change: c.1465-10T>C on transcript NM_152419.3 (MANE Select); 10 bases into the intron before coding-DNA position 1465, T replaced by C.
Molecular consequence: intron variant.
Genome position (GRCh38, 1-based): chr8:43,196,938, T>C. VCF-style: chr8-43196938-T-C. GRCh37 (hg19) VCF-style: chr8-43052081-T-C.
Other names: c.1552-10T>C (NM_001363227.2); c.601-10T>C (NM_001363229.2); c.1273-10T>C (NM_001363228.2).
Identifiers: ClinVar variation 936206 (VCV000936206.6), dbSNP rs1804745819, ClinGen allele CA1139660504.
Genomic context (GRCh38, chr8:43,196,938, plus strand): 5'-CAGTGGATTAATATGAAATAAAAATATCCCTTTGGCGATTCTTTTGGTCACACTGTGTTA[T>C]CTCCTCCAGGCAGGAAAAATACTATTGTATTACAAGGCTCGGACCAAAGACATCCTGATT-3'